The following is an entry in ClinVar:

NM_177438.3(DICER1):c.4529G>T (p.Cys1510Phe)

Gene: DICER1 (dicer 1, ribonuclease III; minus strand). Cytogenetic location: 14q32.13.
Variant type: single nucleotide variant.
Coding change: c.4529G>T on transcript NM_177438.3 (MANE Select); coding-DNA position 4529, G replaced by T.
Protein change: p.Cys1510Phe; replaces cysteine 1510 with phenylalanine.
Molecular consequence: missense variant. On other transcripts: non-coding transcript variant (6).
Genome position (GRCh38, 1-based): chr14:95,096,391, C>A on the plus strand (G>T on the coding strand, the complement: DICER1 is on the minus strand). VCF-style: chr14-95096391-C-A. GRCh37 (hg19) VCF-style: chr14-95562728-C-A.
Other names: c.4529G>T, p.Cys1510Phe (NM_001195573.1, NM_001271282.3, NM_001291628.2 and 12 more transcripts); c.4247G>T, p.Cys1416Phe (NM_001395686.1); c.4124G>T, p.Cys1375Phe (NM_001395687.1, NM_001395688.1, NM_001395689.1 and 2 more transcripts); c.2846G>T, p.Cys949Phe (NM_001395697.1); c.3962G>T, p.Cys1321Phe (NM_001395691.1); short protein forms C1321F, C1375F, C1416F, C949F, C1510F.
Identifiers: ClinVar variation 3705808 (VCV003705808.2).

ClinVar aggregate classification (germline): Uncertain significance (1 of 4 stars; one submission).

Conditions:
DICER1-related tumor predisposition. Also called: DICER1-related pleuropulmonary blastoma cancer predisposition syndrome; DICER1 syndrome. Identifiers: Orphanet 284343, MedGen C3839822, MONDO:0100216.

Submission:

Labcorp Genetics (formerly Invitae), Labcorp
Classification: Uncertain significance for DICER1-related tumor predisposition. Last evaluated: 2024-02-11. Review status: criteria provided, single submitter. Criteria: Invitae Variant Classification Sherloc (09022015). Collection method: clinical testing. Allele origin: germline.
Comment: This sequence change replaces cysteine, which is neutral and slightly polar, with phenylalanine, which is neutral and non-polar, at codon 1510 of the DICER1 protein (p.Cys1510Phe). This variant is not present in population databases (gnomAD no frequency). This variant has not been reported in the literature in individuals affected with DICER1-related conditions. An algorithm developed to predict the effect of missense changes on protein structure and function (PolyPhen-2) suggests that this variant is likely to be disruptive. In summary, the available evidence is currently insufficient to determine the role of this variant in disease. Therefore, it has been classified as a Variant of Uncertain Significance.